The following is an entry in ClinVar:

ClinVar aggregate classification (germline): Conflicting classifications of pathogenicity. Review status: criteria provided, conflicting classifications (1 of 4 stars). 7 submissions from 7 submitters: Uncertain significance (1); Benign (1); Likely benign (4). 1 of the submissions does not count toward it. Last evaluated 2026-04-23.

Conditions:
Intellectual disability, autosomal dominant 14 (CSS2). Also called: COFFIN-SIRIS SYNDROME 2. Identifiers: Orphanet 1465, MedGen C3553247, MONDO:0013819, OMIM 614607.
Inborn genetic diseases. Identifiers: MedGen C0950123, MeSH D030342.
ARID1A-related disorder. Also called: ARID1A-related condition.

Allele frequency attached by ClinVar (database versions not stated): ExAC 0.00012; TOPMed 0.00019; gnomAD exomes 0.00021 and 0.00046; ESP Exome Variant Server 0.00023; gnomAD 0.00029.
gnomAD v4.1: 721 of 1,614,060 alleles (0.045%); highest among the groups gnomAD compares: Non-Finnish European, 0.057%; no homozygotes.

Submissions (9):

Ambry Genetics
Classification: Likely benign for Inborn genetic diseases. Last evaluated: 2026-04-23. Review status: criteria provided, single submitter. Criteria: Ambry Variant Classification Scheme 2023. Collection method: clinical testing. Allele origin: germline.

Labcorp Genetics (formerly Invitae), Labcorp
Classification: Likely benign. Last evaluated: 2026-01-05. Review status: criteria provided, single submitter. Criteria: Invitae Variant Classification Sherloc (09022015). Collection method: clinical testing. Allele origin: germline.

Blueprint Genetics
Classification: Likely benign. Last evaluated: 2024-11-21. Review status: criteria provided, single submitter. Criteria: ACMG Guidelines, 2015. Collection method: clinical testing. Allele origin: germline.

GeneDx
Classification: Benign. Last evaluated: 2020-02-03. Review status: criteria provided, single submitter. Criteria: GeneDx Variant Classification Process June 2021. Collection method: clinical testing. Allele origin: germline. Affected: yes.

Fulgent Genetics
Classification: Uncertain significance for Intellectual disability, autosomal dominant 14. Last evaluated: 2018-10-31. Review status: criteria provided, single submitter. Criteria: ACMG Guidelines, 2015. Collection method: clinical testing. Allele origin: unknown.

Genetic Services Laboratory, University of Chicago
Classification: Likely benign. Last evaluated: 2017-11-03. Review status: criteria provided, single submitter. Criteria: ACMG Guidelines, 2015. Collection method: clinical testing. Allele origin: germline. Affected: no.

PreventionGenetics, part of Exact Sciences
Classification: Likely benign for ARID1A-related condition. Last evaluated: 2021-10-07. Review status: no assertion criteria provided. Collection method: clinical testing. Allele origin: germline. Not counted in ClinVar's aggregate classification.
Comment: This variant is classified as likely benign based on ACMG/AMP sequence variant interpretation guidelines (Richards et al. 2015 PMID: 25741868, with internal and published modifications).

Dr. Peter K. Rogan Lab, Western University
No classification provided (evidence only). Condition: Clear cell carcinoma of kidney. Review status: no classification provided. Collection method: in vitro. Allele origin: not applicable. Functional consequence: retained intron. Not counted in ClinVar's aggregate classification.

Dr. Peter K. Rogan Lab, Western University
No classification provided (evidence only). Condition: Sarcoma. Review status: no classification provided. Collection method: in vitro. Allele origin: not applicable. Functional consequence: retained intron. Not counted in ClinVar's aggregate classification.

NM_006015.6(ARID1A):c.3408G>A (p.Ala1136=)

Genes: ARID1A (AT-rich interaction domain 1A; plus strand), LOC126805670 (CDK7 strongly-dependent group 2 enhancer GRCh37_chr1:27098665-27099864; plus strand). Cytogenetic location: 1p36.11.
Variant type: single nucleotide variant.
Coding change: c.3408G>A on transcript NM_006015.6 (MANE Select); coding-DNA position 3408, G replaced by A.
Protein change: p.Ala1136=; no amino-acid change (alanine 1136 retained).
Molecular consequence: synonymous variant.
Genome position (GRCh38, 1-based): chr1:26,772,501, G>A. VCF-style: chr1-26772501-G-A. GRCh37 (hg19) VCF-style: chr1-27098992-G-A.
Other names: c.3408G>A, p.Ala1136= (NM_139135.4); c.3408G>A (LRG_875t1).
Identifiers: ClinVar variation 434322 (VCV000434322.22), dbSNP rs146598030, ClinGen allele CA707216.